The following is an entry in ClinVar:

ClinVar aggregate classification (germline): Uncertain significance (1 of 4 stars; one submission).

Conditions:
Dihydropteridine reductase deficiency (HPABH4C). Also called: BH4-Deficient Hyperphenylalaninemia C; HYPERPHENYLALANINEMIA, TETRAHYDROBIOPTERIN-DEFICIENT, DUE TO DHPR DEFICIENCY; QDPR DEFICIENCY; QUINOID DIHYDROPTERIDINE REDUCTASE DEFICIENCY; Phenylketonuria II; Hyperphenylalaninemia due to dihydropteridine reductase deficiency. Identifiers: Orphanet 226, Orphanet 238583, MedGen C0268465, MONDO:0009862, OMIM 261630.

Allele frequency attached by ClinVar (database versions not stated): gnomAD exomes below 0.00001; gnomAD 0.00001.
gnomAD v4.1: 2 of 1,610,616 alleles (0.00012%); highest among the groups gnomAD compares: Non-Finnish European, 0.00017%; no homozygotes.

Submission:

Labcorp Genetics (formerly Invitae), Labcorp
Classification: Uncertain significance for Dihydropteridine reductase deficiency. Last evaluated: 2022-04-19. Review status: criteria provided, single submitter. Criteria: Invitae Variant Classification Sherloc (09022015). Collection method: clinical testing. Allele origin: germline.
Comment: In summary, the available evidence is currently insufficient to determine the role of this variant in disease. Therefore, it has been classified as a Variant of Uncertain Significance. Algorithms developed to predict the effect of missense changes on protein structure and function are either unavailable or do not agree on the potential impact of this missense change (SIFT: "Deleterious"; PolyPhen-2: "Probably Damaging"; Align-GVGD: "Class C0"). This variant has not been reported in the literature in individuals affected with QDPR-related conditions. This variant is not present in population databases (gnomAD no frequency). This sequence change replaces glycine, which is neutral and non-polar, with serine, which is neutral and polar, at codon 23 of the QDPR protein (p.Gly23Ser).

NM_000320.3(QDPR):c.67G>A (p.Gly23Ser)

Genes: QDPR (quinoid dihydropteridine reductase; minus strand), LOC129992304 (ATAC-STARR-seq lymphoblastoid silent region 15310; plus strand). Cytogenetic location: 4p15.32.
Variant type: single nucleotide variant.
Coding change: c.67G>A on transcript NM_000320.3 (MANE Select); coding-DNA position 67, G replaced by A.
Protein change: p.Gly23Ser; replaces glycine 23 with serine.
Molecular consequence: missense variant. On other transcripts: non-coding transcript variant (1).
Genome position (GRCh38, 1-based): chr4:17,511,988, C>T on the plus strand (G>A on the coding strand, the complement: QDPR is on the minus strand). VCF-style: chr4-17511988-C-T. GRCh37 (hg19) VCF-style: chr4-17513611-C-T.
Other names: c.67G>A, p.Gly23Ser (NM_001306140.2); short protein forms G23S.
Identifiers: ClinVar variation 2128180 (VCV002128180.4), dbSNP rs1719030411, ClinGen allele CA356454354.